The following is an entry in ClinVar:

ClinVar aggregate classification (germline): Uncertain significance (1 of 4 stars; one submission).

Allele frequency attached by ClinVar (database versions not stated): gnomAD exomes below 0.00001.
gnomAD v4.1: 2 of 1,613,818 alleles (0.00012%); highest among the groups gnomAD compares: Admixed American, 0.0017%; no homozygotes.

Submission:

Labcorp Genetics (formerly Invitae), Labcorp
Classification: Uncertain significance. Last evaluated: 2025-11-08. Review status: criteria provided, single submitter. Criteria: Invitae Variant Classification Sherloc (09022015). Collection method: clinical testing. Allele origin: germline.
Comment: This sequence change replaces isoleucine, which is neutral and non-polar, with methionine, which is neutral and non-polar, at codon 492 of the CFI protein (p.Ile492Met). This variant is not present in population databases (gnomAD no frequency). This variant has not been reported in the literature in individuals affected with CFI-related conditions. ClinVar contains an entry for this variant (Variation ID: 1945474). Invitae Evidence Modeling of protein sequence and biophysical properties (such as structural, functional, and spatial information, amino acid conservation, physicochemical variation, residue mobility, and thermodynamic stability) indicates that this missense variant is not expected to disrupt CFI protein function with a negative predictive value of 80%. In summary, the available evidence is currently insufficient to determine the role of this variant in disease. Therefore, it has been classified as a Variant of Uncertain Significance.

NM_000204.5(CFI):c.1476A>G (p.Ile492Met)

Gene: CFI (complement factor I; minus strand). Cytogenetic location: 4q25.
Variant type: single nucleotide variant.
Coding change: c.1476A>G on transcript NM_000204.5 (MANE Select); coding-DNA position 1476, A replaced by G.
Protein change: p.Ile492Met; replaces isoleucine 492 with methionine.
Molecular consequence: missense variant. On other transcripts: non-coding transcript variant (3).
Genome position (GRCh38, 1-based): chr4:109,742,549, T>C on the plus strand (A>G on the coding strand, the complement: CFI is on the minus strand). VCF-style: chr4-109742549-T-C. GRCh37 (hg19) VCF-style: chr4-110663705-T-C.
Other names: c.1500A>G, p.Ile500Met (NM_001318057.2, NM_001375278.1); c.1455A>G, p.Ile485Met (NM_001331035.2, NM_001375280.1, NM_001375282.1); c.1476A>G, p.Ile492Met (NM_001375279.1, NM_001375281.1); c.1419A>G, p.Ile473Met (NM_001375283.1); c.867A>G, p.Ile289Met (NM_001375284.1); short protein forms I289M, I500M, I473M, I485M, I492M.
Identifiers: ClinVar variation 1945474 (VCV001945474.5), dbSNP rs2545363663, ClinGen allele CA357855170.